The following is an entry in ClinVar:

ClinVar aggregate classification (germline): Uncertain significance (1 of 4 stars; one submission).

Submission:

CeGaT Center for Human Genetics Tuebingen
Classification: Uncertain significance. Last evaluated: 2026-05-01. Review status: criteria provided, single submitter. Criteria: CeGaT Center For Human Genetics Tuebingen Variant Classification Criteria Version 2. Collection method: clinical testing. Allele origin: germline. Affected: yes. Observed: 1 variant allele.
Comment: HCN1: PM2, PP2, PP3

NM_021072.4(HCN1):c.1311C>G (p.His437Gln)

Gene: HCN1 (hyperpolarization activated cyclic nucleotide gated potassium channel 1; minus strand). Cytogenetic location: 5p12.
Variant type: single nucleotide variant.
Coding change: c.1311C>G on transcript NM_021072.4 (MANE Select); coding-DNA position 1311, C replaced by G.
Protein change: p.His437Gln; replaces histidine 437 with glutamine.
Molecular consequence: missense variant.
Genome position (GRCh38, 1-based): chr5:45,353,166, G>C on the plus strand (C>G on the coding strand, the complement: HCN1 is on the minus strand). VCF-style: chr5-45353166-G-C. GRCh37 (hg19) VCF-style: chr5-45353268-G-C.
Other names: short protein forms H437Q.
Identifiers: ClinVar variation 4875009 (VCV004875009.2).